The following is an entry in ClinVar:

ClinVar aggregate classification (germline): Uncertain significance (1 of 4 stars; one submission).

Allele frequency attached by ClinVar (database versions not stated): gnomAD exomes below 0.00001.
gnomAD v4.1: 1 of 1,614,256 alleles (0.000062%); highest among the groups gnomAD compares: Non-Finnish European, 0.000085%; no homozygotes.

Submission:

Labcorp Genetics (formerly Invitae), Labcorp
Classification: Uncertain significance. Last evaluated: 2021-11-23. Review status: criteria provided, single submitter. Criteria: Invitae Variant Classification Sherloc (09022015). Collection method: clinical testing. Allele origin: germline.
Comment: In summary, the available evidence is currently insufficient to determine the role of this variant in disease. Therefore, it has been classified as a Variant of Uncertain Significance. Advanced modeling of protein sequence and biophysical properties (such as structural, functional, and spatial information, amino acid conservation, physicochemical variation, residue mobility, and thermodynamic stability) performed at Invitae indicates that this missense variant is expected to disrupt EIF2B5 protein function. This variant has not been reported in the literature in individuals affected with EIF2B5-related conditions. This variant is not present in population databases (gnomAD no frequency). This sequence change replaces alanine, which is neutral and non-polar, with threonine, which is neutral and polar, at codon 648 of the EIF2B5 protein (p.Ala648Thr).

NM_003907.3(EIF2B5):c.1942G>A (p.Ala648Thr)

Gene: EIF2B5 (eukaryotic translation initiation factor 2B subunit epsilon; plus strand). Cytogenetic location: 3q27.1.
Variant type: single nucleotide variant.
Coding change: c.1942G>A on transcript NM_003907.3 (MANE Select); coding-DNA position 1942, G replaced by A.
Protein change: p.Ala648Thr; replaces alanine 648 with threonine.
Molecular consequence: missense variant.
Genome position (GRCh38, 1-based): chr3:184,144,171, G>A. VCF-style: chr3-184144171-G-A. GRCh37 (hg19) VCF-style: chr3-183861959-G-A.
Other names: short protein forms A648T.
Identifiers: ClinVar variation 1384616 (VCV001384616.6), dbSNP rs2109011906, ClinGen allele CA355394475.